The following is an entry in ClinVar:

ClinVar aggregate classification (germline): Likely benign. Review status: criteria provided, single submitter (1 of 4 stars). 2 submissions from 2 submitters: Likely benign (1). 1 of the submissions does not count toward it. Last evaluated 2022-12-18.

Conditions:
3-methylglutaconic aciduria, type VIIB (MGCA7B). Also called: 3-methylglutaconic aciduria with cataracts, neurologic involvement and neutropenia; 3-methylglutaconic aciduria, type VII, with cataracts, neurologic involvement and neutropenia; CLPB Deficiency. Identifiers: Orphanet 445038, MedGen C5676893, MONDO:0014561, OMIM 616271.
CLPB-related disorder. Also called: CLPB-related condition.

gnomAD v4.1: 3 of 1,612,260 alleles (0.00019%); highest among the groups gnomAD compares: Non-Finnish European, 0.00025%; no homozygotes.

Submissions (2):

Labcorp Genetics (formerly Invitae), Labcorp
Classification: Likely benign for 3-methylglutaconic aciduria, type VIIB. Last evaluated: 2022-12-18. Review status: criteria provided, single submitter. Criteria: Invitae Variant Classification Sherloc (09022015). Collection method: clinical testing. Allele origin: germline.

PreventionGenetics, part of Exact Sciences
Classification: Likely benign for CLPB-related condition. Last evaluated: 2024-07-09. Review status: no assertion criteria provided. Collection method: clinical testing. Allele origin: germline. Not counted in ClinVar's aggregate classification.
Comment: This variant is classified as likely benign based on ACMG/AMP sequence variant interpretation guidelines (Richards et al. 2015 PMID: 25741868, with internal and published modifications).

NM_001258392.3(CLPB):c.183C>T (p.Ala61=)

Genes: CLPB (ClpB family mitochondrial disaggregase; minus strand), LOC130006336 (ATAC-STARR-seq lymphoblastoid active region 5191; plus strand). Cytogenetic location: 11q13.4.
Variant type: single nucleotide variant.
Coding change: c.183C>T on transcript NM_001258392.3 (MANE Select); coding-DNA position 183, C replaced by T.
Protein change: p.Ala61=; no amino-acid change (alanine 61 retained).
Molecular consequence: synonymous variant. On other transcripts: 5 prime UTR variant (1).
Genome position (GRCh38, 1-based): chr11:72,434,292, G>A on the plus strand (C>T on the coding strand, the complement: CLPB is on the minus strand). VCF-style: chr11-72434292-G-A. GRCh37 (hg19) VCF-style: chr11-72145336-G-A.
Other names: c.183C>T, p.Ala61= (NM_001258393.3, NM_030813.6); c.-60C>T (NM_001258394.3); c.183C>T (NM_030813.5).
Identifiers: ClinVar variation 1969322 (VCV001969322.6), dbSNP rs761231236, ClinGen allele CA381963527.
Genomic context (GRCh38, chr11:72,434,292, plus strand): 5'-TTTGGTATCGAAGCGTCCTCCCTGGCGCCCCCCGGTGGCTGCCCCACGTCCGGAGAACAA[G>A]GCCGGCGATGTTCCAGGGCGCCCCCCGGTGGCTACCCTCAGCCACTGCGGCTCCCCGAGA-3'
Protein context (NP_001245321.1, residues 51-71): ATGGRPGTSP[Ala61=]LFSGRGAATG